The following is an entry in ClinVar:

ClinVar aggregate classification (germline): Uncertain significance (1 of 4 stars; one submission).

gnomAD v4.1: 3 of 1,612,804 alleles (0.00019%); highest among the groups gnomAD compares: African/African-American, 0.004%; no homozygotes.

Submission:

Labcorp Genetics (formerly Invitae), Labcorp
Classification: Uncertain significance. Last evaluated: 2025-04-18. Review status: criteria provided, single submitter. Criteria: Invitae Variant Classification Sherloc (09022015). Collection method: clinical testing. Allele origin: germline.
Comment: This sequence change replaces leucine, which is neutral and non-polar, with arginine, which is basic and polar, at codon 575 of the RAI1 protein (p.Leu575Arg). This variant is present in population databases (no rsID available, gnomAD 0.01%). This variant has not been reported in the literature in individuals affected with RAI1-related conditions. Invitae Evidence Modeling of protein sequence and biophysical properties (such as structural, functional, and spatial information, amino acid conservation, physicochemical variation, residue mobility, and thermodynamic stability) indicates that this missense variant is not expected to disrupt RAI1 protein function with a negative predictive value of 80%. In summary, the available evidence is currently insufficient to determine the role of this variant in disease. Therefore, it has been classified as a Variant of Uncertain Significance.

NM_030665.4(RAI1):c.1724T>G (p.Leu575Arg)

Gene: RAI1 (retinoic acid induced 1; plus strand). Cytogenetic location: 17p11.2.
Variant type: single nucleotide variant.
Coding change: c.1724T>G on transcript NM_030665.4 (MANE Select); coding-DNA position 1724, T replaced by G.
Protein change: p.Leu575Arg; replaces leucine 575 with arginine.
Molecular consequence: missense variant.
Genome position (GRCh38, 1-based): chr17:17,794,672, T>G. VCF-style: chr17-17794672-T-G. GRCh37 (hg19) VCF-style: chr17-17697986-T-G.
Other names: short protein forms L575R.
Identifiers: ClinVar variation 4744772 (VCV004744772.1).